The following is an entry in ClinVar:

ClinVar aggregate classification (germline): Pathogenic. Review status: criteria provided, multiple submitters, no conflicts (2 of 4 stars). 2 submissions from 2 submitters: Pathogenic (2). Last evaluated 2023-11-20.

Conditions:
Joubert syndrome. Also called: CEREBELLOPARENCHYMAL DISORDER IV; JOUBERT-BOLTSHAUSER SYNDROME; Familial aplasia of the vermis. Identifiers: Orphanet 475, MedGen C5979921, MONDO:0018772.
Joubert syndrome 3 (JBTS3). Also called: AHI1-related Ciliopathy. Identifiers: Orphanet 220493, MedGen C1837713, MONDO:0012078, OMIM 608629.

Allele frequency attached by ClinVar (database versions not stated): TOPMed below 0.00001; gnomAD 0.00001; ExAC 0.00002.
gnomAD v4.1: 1 of 1,420,758 alleles (0.00007%); highest among the groups gnomAD compares: Non-Finnish European, 0.000093%; no homozygotes.

Submissions (2):

Labcorp Genetics (formerly Invitae), Labcorp
Classification: Pathogenic for Joubert syndrome. Last evaluated: 2023-11-20. Review status: criteria provided, single submitter. Criteria: Invitae Variant Classification Sherloc (09022015). Collection method: clinical testing. Allele origin: germline.
Comment: This sequence change affects an acceptor splice site in intron 8 of the AHI1 gene. It is expected to disrupt RNA splicing. Variants that disrupt the donor or acceptor splice site typically lead to a loss of protein function (PMID: 16199547), and loss-of-function variants in AHI1 are known to be pathogenic (PMID: 15322546, 16453322, 28442542, 29186038). The frequency data for this variant in the population databases is considered unreliable, as metrics indicate poor data quality at this position in the gnomAD database. Disruption of this splice site has been observed in individual(s) with Joubert syndrome (PMID: 16155189). This variant is also known as IVS8 (-2 A>G). ClinVar contains an entry for this variant (Variation ID: 217527). Algorithms developed to predict the effect of sequence changes on RNA splicing suggest that this variant may disrupt the consensus splice site. For these reasons, this variant has been classified as Pathogenic.

UW Hindbrain Malformation Research Program, University of Washington
Classification: Pathogenic for Joubert syndrome 3. Last evaluated: 2015-02-23. Review status: criteria provided, single submitter. Criteria: Bachmann-Gagescu et al. (J Med Genet. 2015). Collection method: research. Allele origin: unknown. Affected: yes.

Literature cited by the submitters: PubMed 16199547 (cited by Labcorp Genetics (formerly Invitae), Labcorp); PubMed 15322546 (cited by Labcorp Genetics (formerly Invitae), Labcorp); PubMed 16453322 (cited by Labcorp Genetics (formerly Invitae), Labcorp); PubMed 28442542 (cited by Labcorp Genetics (formerly Invitae), Labcorp); PubMed 29186038 (cited by Labcorp Genetics (formerly Invitae), Labcorp); PubMed 16155189 (cited by Labcorp Genetics (formerly Invitae), Labcorp).

NM_001134831.2(AHI1):c.1152-2A>G

Gene: AHI1 (Abelson helper integration site 1; minus strand). Cytogenetic location: 6q23.3.
Variant type: single nucleotide variant.
Coding change: c.1152-2A>G on transcript NM_001134831.2 (MANE Select); the canonical splice acceptor site of the intron before coding-DNA position 1152, A replaced by G.
Molecular consequence: splice acceptor variant.
Genome position (GRCh38, 1-based): chr6:135,455,928, T>C on the plus strand (A>G on the coding strand, the complement: AHI1 is on the minus strand). VCF-style: chr6-135455928-T-C. GRCh37 (hg19) VCF-style: chr6-135777066-T-C.
Other names: c.1152-2A>G (NM_001134830.2, NM_001350503.2, NM_017651.5 and 2 more transcripts).
Identifiers: ClinVar variation 217527 (VCV000217527.4), dbSNP rs753085250, ClinGen allele CA277693.
Genomic context (GRCh38, chr6:135,455,928, plus strand): 5'-TAATAGGAAGAATATAATCCACATTCTCTTTTTCATAGTAAGATGAAACAGGCCGTCCAC[T>C]GTACAAAAAAAGATACTTCCATTAACACAATTTTCATAATTTTGAGGTGAGAAAAAAATA-3'